The following is an entry in ClinVar:

NM_144687.4(NLRP12):c.1294A>G (p.Thr432Ala)

Gene: NLRP12 (NLR family pyrin domain containing 12; minus strand). Cytogenetic location: 19q13.42.
Variant type: single nucleotide variant.
Coding change: c.1294A>G on transcript NM_144687.4 (MANE Select); coding-DNA position 1294, A replaced by G.
Protein change: p.Thr432Ala; replaces threonine 432 with alanine.
Molecular consequence: missense variant.
Genome position (GRCh38, 1-based): chr19:53,810,365, T>C on the plus strand (A>G on the coding strand, the complement: NLRP12 is on the minus strand). VCF-style: chr19-53810365-T-C. GRCh37 (hg19) VCF-style: chr19-54313619-T-C.
Other names: c.1294A>G, p.Thr432Ala (NM_001277126.2, NM_001277129.1); short protein forms T432A.
Identifiers: ClinVar variation 1397946 (VCV001397946.6), dbSNP rs768497979, ClinGen allele CA9639463.

ClinVar aggregate classification (germline): Uncertain significance (1 of 4 stars; one submission).

Conditions:
Familial cold autoinflammatory syndrome 2 (FCAS2). Identifiers: Orphanet 247868, MedGen C2673198, MONDO:0012724, OMIM 611762.

Allele frequency attached by ClinVar (database versions not stated): gnomAD 0.00001; TOPMed 0.00001; ExAC 0.00002; gnomAD exomes 0.00002 and 0.00006.
gnomAD v4.1: 85 of 1,613,384 alleles (0.0053%); highest among the groups gnomAD compares: Non-Finnish European, 0.0071%; no homozygotes.

Submission:

Labcorp Genetics (formerly Invitae), Labcorp
Classification: Uncertain significance for Familial cold autoinflammatory syndrome 2. Last evaluated: 2025-10-21. Review status: criteria provided, single submitter. Criteria: Invitae Variant Classification Sherloc (09022015). Collection method: clinical testing. Allele origin: germline.
Comment: This sequence change replaces threonine, which is neutral and polar, with alanine, which is neutral and non-polar, at codon 432 of the NLRP12 protein (p.Thr432Ala). This variant is present in population databases (rs768497979, gnomAD 0.005%). This variant has not been reported in the literature in individuals affected with NLRP12-related conditions. ClinVar contains an entry for this variant (Variation ID: 1397946). Invitae Evidence Modeling of protein sequence and biophysical properties (such as structural, functional, and spatial information, amino acid conservation, physicochemical variation, residue mobility, and thermodynamic stability) indicates that this missense variant is expected to disrupt NLRP12 protein function with a positive predictive value of 80%. In summary, the available evidence is currently insufficient to determine the role of this variant in disease. Therefore, it has been classified as a Variant of Uncertain Significance.